The following is an entry in ClinVar:

ClinVar aggregate classification (germline): Likely benign (0 of 4 stars; one submission).

Conditions:
GON7-related disorder. Also called: GON7-related condition.

Submission:

PreventionGenetics, part of Exact Sciences
Classification: Likely benign for GON7-related condition. Last evaluated: 2021-07-26. Review status: no assertion criteria provided. Collection method: clinical testing. Allele origin: germline.
Comment: This variant is classified as likely benign based on ACMG/AMP sequence variant interpretation guidelines (Richards et al. 2015 PMID: 25741868, with internal and published modifications).

NM_032490.5(GON7):c.209-7T>A

Gene: GON7 (GON7 subunit of KEOPS complex; minus strand). Cytogenetic location: 14q32.12.
Variant type: single nucleotide variant.
Coding change: c.209-7T>A on transcript NM_032490.5 (MANE Select); 7 bases into the intron before coding-DNA position 209, T replaced by A.
Molecular consequence: intron variant.
Genome position (GRCh38, 1-based): chr14:93,203,789, A>T on the plus strand (T>A on the coding strand, the complement: GON7 is on the minus strand). VCF-style: chr14-93203789-A-T. GRCh37 (hg19) VCF-style: chr14-93670134-A-T.
Identifiers: ClinVar variation 3061666 (VCV003061666.2), dbSNP rs2505015369, ClinGen allele CA2740097189.